The following is an entry in ClinVar:

NM_002528.7(NTHL1):c.68_69insTAC (p.Gly23_Cys24insThr)

Gene: NTHL1 (nth like DNA glycosylase 1; minus strand). Cytogenetic location: 16p13.3.
Variant type: Insertion.
Coding change: c.68_69insTAC on transcript NM_002528.7 (MANE Select); coding-DNA positions 68 to 69, TAC inserted.
Protein change: p.Gly23_Cys24insThr.
Molecular consequence: inframe insertion. On other transcripts: 5 prime UTR variant (1).
Genome position: GRCh38 VCF-style: chr16-2047755-C-CGTA. GRCh37 (hg19) VCF-style: chr16-2097756-C-CGTA.
Other names: c.68_69insTAC, p.Gly23_Cys24insThr (NM_001318193.2); c.-111_-110insTAC (NM_001318194.2).
Identifiers: ClinVar variation 4723465 (VCV004723465.1).

ClinVar aggregate classification (germline): Uncertain significance (1 of 4 stars; one submission).

Submission:

Labcorp Genetics (formerly Invitae), Labcorp
Classification: Uncertain significance. Last evaluated: 2025-08-13. Review status: criteria provided, single submitter. Criteria: Invitae Variant Classification Sherloc (09022015). Collection method: clinical testing. Allele origin: germline.
Comment: This variant, c.92_93insTAC, results in the insertion of 1 amino acid(s) of the NTHL1 protein (p.Gly31_Cys32insThr), but otherwise preserves the integrity of the reading frame. This variant is not present in population databases (gnomAD no frequency). This variant has not been reported in the literature in individuals affected with NTHL1-related conditions. Algorithms developed to predict the effect of sequence changes on RNA splicing suggest that this variant may create or strengthen a splice site. In summary, the available evidence is currently insufficient to determine the role of this variant in disease. Therefore, it has been classified as a Variant of Uncertain Significance.